The following is an entry in ClinVar:

ClinVar aggregate classification (germline): Benign/Likely benign. Review status: criteria provided, multiple submitters, no conflicts (2 of 4 stars). 14 submissions from 14 submitters: Benign (7); Likely benign (5). 2 of the submissions do not count toward it. Last evaluated 2026-08-01.

Conditions:
Hereditary cancer-predisposing syndrome. Also called: Hereditary neoplastic syndrome; Hereditary Cancer Syndrome; Neoplastic Syndromes, Hereditary; Tumor predisposition. Identifiers: Orphanet 140162, MedGen C0027672, MeSH D009386, MONDO:0015356.
Retinoblastoma (RB1). Also called: RETINOBLASTOMA, SOMATIC. Identifiers: Orphanet 790, MedGen C0035335, MeSH D012175, MONDO:0008380, OMIM 180200, HP:0009919. Disease mechanism: loss of function. Inheritance: Both sporadic and heritable forms are tested..

Allele frequency attached by ClinVar (database versions not stated): ExAC 0.00009; 1000 Genomes Project 0.00060; gnomAD exomes 0.00145 and 0.00326; gnomAD 0.00156 and 0.00162; TOPMed 0.00158.
gnomAD v4.1: 4,546 of 1,503,378 alleles (0.3%); highest among the groups gnomAD compares: Non-Finnish European, 0.39%; 11 homozygotes.

Submissions (14):

CeGaT Center for Human Genetics Tuebingen
Classification: Likely benign. Last evaluated: 2026-08-01. Review status: criteria provided, single submitter. Criteria: CeGaT Center For Human Genetics Tuebingen Variant Classification Criteria Version 2. Collection method: clinical testing. Allele origin: germline. Affected: yes. Observed: 27 variant alleles.
Comment: RB1: BP4, BP7, BS1

Myriad Genetics, Inc.
Classification: Benign for Retinoblastoma. Last evaluated: 2026-06-23. Review status: criteria provided, single submitter. Criteria: Myriad Autosomal Dominant, Autosomal Recessive and X-Linked Classification Criteria (2023). Collection method: clinical testing. Allele origin: unknown.
Comment: This variant is considered benign. This variant is a silent/synonymous amino acid change and it is not expected to impact splicing.

Labcorp Genetics (formerly Invitae), Labcorp
Classification: Benign for Retinoblastoma. Last evaluated: 2026-02-03. Review status: criteria provided, single submitter. Criteria: Invitae Variant Classification Sherloc (09022015). Collection method: clinical testing. Allele origin: germline.

Blueprint Genetics
Classification: Likely benign. Last evaluated: 2024-11-13. Review status: criteria provided, single submitter. Criteria: ACMG Guidelines, 2015. Collection method: clinical testing. Allele origin: germline.

ARUP Laboratories, Molecular Genetics and Genomics, ARUP Laboratories
Classification: Benign. Last evaluated: 2024-11-11. Review status: criteria provided, single submitter. Criteria: ARUP Molecular Germline Variant Investigation Process 2024. Collection method: clinical testing. Allele origin: germline.

Women's Health and Genetics/Laboratory Corporation of America, LabCorp
Classification: Benign. Last evaluated: 2024-06-06. Review status: criteria provided, single submitter. Criteria: LabCorp Variant Classification Summary - May 2015. Collection method: clinical testing. Allele origin: germline.

All of Us Research Program, National Institutes of Health
Classification: Benign for Retinoblastoma. Last evaluated: 2024-02-05. Review status: criteria provided, single submitter. Criteria: ACMG Guidelines, 2015. Collection method: clinical testing. Allele origin: germline. Inheritance: Autosomal dominant inheritance. Observed: 517 variant alleles, 517 heterozygotes.
Comment: This study involves interpretation of variants in research participants for the purpose of population health screening. Participant phenotype was not available at the time of variant classification. Additional details can be found in publication PMID: 35346344, PMCID: PMC8962531

Color Diagnostics, LLC DBA Color Health
Classification: Benign for Retinoblastoma. Last evaluated: 2022-04-13. Review status: criteria provided, single submitter. Criteria: ACMG Guidelines, 2015. Collection method: clinical testing. Allele origin: germline.

Sema4
Classification: Likely benign for Hereditary cancer-predisposing syndrome. Last evaluated: 2021-06-24. Review status: criteria provided, single submitter. Criteria: Sema4 Curation Guidelines. Collection method: curation. Allele origin: germline.

Ambry Genetics
Classification: Likely benign for Hereditary cancer-predisposing syndrome. Last evaluated: 2019-01-17. Review status: criteria provided, single submitter. Criteria: Ambry Variant Classification Scheme 2023. Collection method: clinical testing. Allele origin: germline.

Illumina Laboratory Services, Illumina
Classification: Benign for Retinoblastoma. Last evaluated: 2018-01-12. Review status: criteria provided, single submitter. Criteria: ICSL Variant Classification Criteria 13 December 2019. Collection method: clinical testing. Allele origin: germline.
Comment: This variant was observed in the ICSL laboratory as part of a predisposition screen in an ostensibly healthy population. It had not been previously curated by ICSL or reported in the Human Gene Mutation Database (HGMD: prior to June 1st, 2018), and was therefore a candidate for classification through an automated scoring system. Utilizing variant allele frequency, disease prevalence and penetrance estimates, and inheritance mode, an automated score was calculated to assess if this variant is too frequent to cause the disease. Based on the score and internal cut-off values, a variant classified as benign is not then subjected to further curation. The score for this variant resulted in a classification of benign for this disease.

GeneDx
Classification: Likely benign. Last evaluated: 2017-08-25. Review status: criteria provided, single submitter. Criteria: GeneDx Variant Classification (06012015). Collection method: clinical testing. Allele origin: germline. Affected: yes.
Comment: This variant is considered likely benign or benign based on one or more of the following criteria: it is a conservative change, it occurs at a poorly conserved position in the protein, it is predicted to be benign by multiple in silico algorithms, and/or has population frequency not consistent with disease.

Clinical Genetics DNA and cytogenetics Diagnostics Lab, Erasmus MC, Erasmus Medical Center
Classification: Likely benign. Review status: no assertion criteria provided. Collection method: clinical testing. Allele origin: germline. Affected: yes. Study: VKGL Data-share Consensus. Not counted in ClinVar's aggregate classification.

Genome Diagnostics Laboratory, Amsterdam University Medical Center
Classification: Likely benign. Review status: no assertion criteria provided. Collection method: clinical testing. Allele origin: germline. Affected: yes. Study: VKGL Data-share Consensus. Not counted in ClinVar's aggregate classification.

NM_000321.3(RB1):c.42C>T (p.Ala14=)

Gene: RB1 (RB transcriptional corepressor 1; plus strand). Cytogenetic location: 13q14.2.
Variant type: single nucleotide variant.
Coding change: c.42C>T on transcript NM_000321.3 (MANE Select); coding-DNA position 42, C replaced by T.
Protein change: p.Ala14=; no amino-acid change (alanine 14 retained).
Molecular consequence: synonymous variant.
Genome position (GRCh38, 1-based): chr13:48,303,954, C>T. VCF-style: chr13-48303954-C-T. GRCh37 (hg19) VCF-style: chr13-48878090-C-T.
Identifiers: ClinVar variation 237673 (VCV000237673.63), dbSNP rs148980395, ClinGen allele CA038139.